The following is an entry in ClinVar:

ClinVar aggregate classification (germline): Pathogenic (1 of 4 stars; one submission).

Submission:

Labcorp Genetics (formerly Invitae), Labcorp
Classification: Pathogenic. Last evaluated: 2024-04-18. Review status: criteria provided, single submitter. Criteria: Invitae Variant Classification Sherloc (09022015). Collection method: clinical testing. Allele origin: germline.
Comment: This sequence change creates a premature translational stop signal (p.Phe3039Leufs*3) in the EYS gene. While this is not anticipated to result in nonsense mediated decay, it is expected to disrupt the last 106 amino acid(s) of the EYS protein. This variant is not present in population databases (gnomAD no frequency). This variant has not been reported in the literature in individuals affected with EYS-related conditions. This variant disrupts a region of the EYS protein in which other variant(s) (p.Tyr3135*) have been determined to be pathogenic (PMID: 18976725, 29159838, 30337596, 31074760). This suggests that this is a clinically significant region of the protein, and that variants that disrupt it are likely to be disease-causing. For these reasons, this variant has been classified as Pathogenic.

Literature cited by the submitters: PubMed 18976725; PubMed 29159838; PubMed 30337596; PubMed 31074760.

NM_001142800.2(EYS):c.9117_9118del (p.Phe3039fs)

Genes: EYS (EGF-like photoreceptor maintenance factor; minus strand), PHF3 (PHD finger protein 3; plus strand). Cytogenetic location: 6q12.
Variant type: Deletion.
Coding change: c.9117_9118del on transcript NM_001142800.2 (MANE Select); coding-DNA positions 9117 to 9118, 2 bases deleted (CT; older notation c.9117_9118delCT).
Protein change: p.Phe3039fs; shifts the reading frame from phenylalanine 3039.
Molecular consequence: frameshift variant. On other transcripts: 3 prime UTR variant (5).
Genome position (GRCh38, 1-based): chr6:63,720,913-63,720,914, AG deleted on the plus strand (CT on the coding strand, the reverse complement: EYS is on the minus strand); deleting any 2 consecutive bases within chr6:63,720,913-63,720,915 gives the same sequence; the c. name uses the placement nearest the transcript's 3' end. VCF-style (leftmost placement, unchanged base first): chr6-63720912-CAG-C. GRCh37 (hg19) VCF-style: chr6-64430808-CAG-C.
Other names: c.*7206_*7207del (NM_015153.4, NM_001290259.2, NM_001370348.2 and 2 more transcripts); c.9180_9181del, p.Phe3060fs (NM_001292009.2); short protein forms F3060fs, F3039fs.
Identifiers: ClinVar variation 3674324 (VCV003674324.2).
Genomic context (GRCh38, chr6:63,720,912, plus strand): 5'-ATGTAGGCCTTGATAAGAGTCTGATTTTGAATTACAACTACATGGTGCCATTTATTACAA[CAG>C]AATGTGCCATTGTTATAGCTCATAGGCACAGAGATTCTTTCTCCCAAGTTAACTGCTATT-3'